The following is an entry in ClinVar:

NM_002241.5(KCNJ10):c.*1027C>T

Gene: KCNJ10 (potassium inwardly rectifying channel subfamily J member 10; minus strand). Cytogenetic location: 1q23.2.
Variant type: single nucleotide variant.
Coding change: c.*1027C>T on transcript NM_002241.5 (MANE Select); 1027 bases downstream of the stop codon, C replaced by T.
Molecular consequence: 3 prime UTR variant.
Genome position (GRCh38, 1-based): chr1:160,040,366, G>A on the plus strand (C>T on the coding strand, the complement: KCNJ10 is on the minus strand). VCF-style: chr1-160040366-G-A. GRCh37 (hg19) VCF-style: chr1-160010156-G-A.
Identifiers: ClinVar variation 874514 (VCV000874514.5), dbSNP rs12067668, ClinGen allele CA343220087.
Genomic context (GRCh38, chr1:160,040,366, plus strand): 5'-GGATTGTGTTAACTTTCTGGGGAATCTGTGCCCTGTGAATCTAGTTTTACTTGAGCATCC[G>A]TGTTAAGAGAGGAAGGCCCTTGCATTTTCCCTCCCTTCTCCCAAAGAGTTGGGGTTAAGG-3'

ClinVar aggregate classification (germline): Benign/Likely benign. Review status: criteria provided, multiple submitters, no conflicts (2 of 4 stars). 3 submissions from 2 submitters: Benign (1); Likely benign (2). Last evaluated 2018-01-13.

Conditions:
EAST syndrome (SESAMES). Also called: SEIZURES, SENSORINEURAL DEAFNESS, ATAXIA, IMPAIRED INTELLECTUAL DEVELOPMENT, AND ELECTROLYTE IMBALANCE. Identifiers: Orphanet 199343, MedGen C2748572, MONDO:0013005, OMIM 612780.
Autosomal recessive nonsyndromic hearing loss 4 (DFNB4). Also called: Deafness, autosomal recessive 4; NEUROSENSORY NONSYNDROMIC RECESSIVE DEAFNESS 4; FOXI1-Related Pendred Syndrome; KCNJ10-Related Pendred Syndrome; DEAFNESS, AUTOSOMAL RECESSIVE 4, WITH ENLARGED VESTIBULAR AQUEDUCT, DIGENIC; Nonsyndromic enlarged vestibular aqueduct (NSEVA). Identifiers: Orphanet 90636, MedGen C3538946, MONDO:0010933, OMIM 600791.

Allele frequency attached by ClinVar (database versions not stated): 1000 Genomes Project 0.01717; 1000 Genomes Project 30x 0.01858; TOPMed 0.01873.

Submissions (3):

Illumina Laboratory Services, Illumina
Classification: Likely benign for Autosomal recessive nonsyndromic hearing loss 4. Last evaluated: 2018-01-13. Review status: criteria provided, single submitter. Criteria: ICSL Variant Classification Criteria 13 December 2019. Collection method: clinical testing. Allele origin: germline.
Comment: This variant was observed in the ICSL laboratory as part of a predisposition screen in an ostensibly healthy population. It had not been previously curated by ICSL or reported in the Human Gene Mutation Database (HGMD: prior to June 1st, 2018), and was therefore a candidate for classification through an automated scoring system. Utilizing variant allele frequency, disease prevalence and penetrance estimates, and inheritance mode, an automated score was calculated to assess if this variant is too frequent to cause the disease. Based on the score and internal cut-off values, a variant classified as likely benign is not then subjected to further curation. The score for this variant resulted in a classification of likely benign for this disease.

Illumina Laboratory Services, Illumina
Classification: Benign for EAST syndrome. Last evaluated: 2018-01-13. Review status: criteria provided, single submitter. Criteria: ICSL Variant Classification Criteria 13 December 2019. Collection method: clinical testing. Allele origin: germline.
Comment: This variant was observed in the ICSL laboratory as part of a predisposition screen in an ostensibly healthy population. It had not been previously curated by ICSL or reported in the Human Gene Mutation Database (HGMD: prior to June 1st, 2018), and was therefore a candidate for classification through an automated scoring system. Utilizing variant allele frequency, disease prevalence and penetrance estimates, and inheritance mode, an automated score was calculated to assess if this variant is too frequent to cause the disease. Based on the score and internal cut-off values, a variant classified as benign is not then subjected to further curation. The score for this variant resulted in a classification of benign for this disease.

Breakthrough Genomics
Classification: Likely benign. Review status: criteria provided, single submitter. Criteria: ACMG Guidelines, 2015. Collection method: not provided. Allele origin: germline. Inheritance: Autosomal recessive inheritance. Affected: yes.